The following is an entry in ClinVar:

ClinVar aggregate classification (germline): Uncertain significance (1 of 4 stars; one submission).

Submission:

Labcorp Genetics (formerly Invitae), Labcorp
Classification: Uncertain significance. Last evaluated: 2024-10-22. Review status: criteria provided, single submitter. Criteria: Invitae Variant Classification Sherloc (09022015). Collection method: clinical testing. Allele origin: germline.
Comment: This sequence change replaces threonine, which is neutral and polar, with isoleucine, which is neutral and non-polar, at codon 1054 of the PDE3A protein (p.Thr1054Ile). This variant is not present in population databases (gnomAD no frequency). This variant has not been reported in the literature in individuals affected with PDE3A-related conditions. ClinVar contains an entry for this variant (Variation ID: 2139026). An algorithm developed to predict the effect of missense changes on protein structure and function (PolyPhen-2) suggests that this variant is likely to be tolerated. In summary, the available evidence is currently insufficient to determine the role of this variant in disease. Therefore, it has been classified as a Variant of Uncertain Significance.

NM_000921.5(PDE3A):c.3161C>T (p.Thr1054Ile)

Gene: PDE3A (phosphodiesterase 3A; plus strand). Cytogenetic location: 12p12.2.
Variant type: single nucleotide variant.
Coding change: c.3161C>T on transcript NM_000921.5 (MANE Select); coding-DNA position 3161, C replaced by T.
Protein change: p.Thr1054Ile; replaces threonine 1054 with isoleucine.
Molecular consequence: missense variant.
Genome position (GRCh38, 1-based): chr12:20,654,182, C>T. VCF-style: chr12-20654182-C-T. GRCh37 (hg19) VCF-style: chr12-20807116-C-T.
Other names: c.2195C>T, p.Thr732Ile (NM_001244683.2, NM_001378409.1); c.2855C>T, p.Thr952Ile (NM_001378407.1); c.2198C>T, p.Thr733Ile (NM_001378408.1); short protein forms T952I, T1054I, T732I, T733I.
Identifiers: ClinVar variation 2139026 (VCV002139026.4), dbSNP rs2498158706, ClinGen allele CA384087857.
Genomic context (GRCh38, chr12:20,654,182, plus strand): 5'-GAGATACTGATGACCCAGAAGAAGAGGAGGAAGAAGCACCAGCACCAAATGAAGAGGAAA[C>T]CTGTGAAAATAATGAATCTCCAAGTAAGTTCTAAAACCTAGTTCTAATGTGTTTTCCCTG-3'
Protein context (NP_000912.3, residues 1044-1064): EEAPAPNEEE[Thr1054Ile]CENNESPKKK